The following is an entry in ClinVar:

ClinVar aggregate classification (germline): Conflicting classifications of pathogenicity. Review status: criteria provided, conflicting classifications (1 of 4 stars). 2 submissions from 2 submitters: Uncertain significance (1); Benign (1). Last evaluated 2024-08-19.

Conditions:
Hereditary cancer-predisposing syndrome. Also called: Hereditary neoplastic syndrome; Neoplastic Syndromes, Hereditary; Tumor predisposition; Hereditary Cancer Syndrome. Identifiers: Orphanet 140162, MedGen C0027672, MeSH D009386, MONDO:0015356.
Tuberous sclerosis 2 (TSC2). Identifiers: Orphanet 805, MedGen C1860707, MONDO:0013199, OMIM 613254.

Submissions (2):

Ambry Genetics
Classification: Uncertain significance for Hereditary cancer-predisposing syndrome. Last evaluated: 2024-08-19. Review status: criteria provided, single submitter. Criteria: Ambry Variant Classification Scheme 2023. Collection method: clinical testing. Allele origin: germline.
Comment: The p.I485N variant (also known as c.1454T>A), located in coding exon 14 of the TSC2 gene, results from a T to A substitution at nucleotide position 1454. The isoleucine at codon 485 is replaced by asparagine, an amino acid with dissimilar properties. This amino acid position is conserved. In addition, this alteration is predicted to be deleterious by in silico analysis. Based on the available evidence, the clinical significance of this variant remains unclear.

Labcorp Genetics (formerly Invitae), Labcorp
Classification: Benign for Tuberous sclerosis 2. Last evaluated: 2022-07-25. Review status: criteria provided, single submitter. Criteria: Invitae Variant Classification Sherloc (09022015). Collection method: clinical testing. Allele origin: germline.

NM_000548.5(TSC2):c.1454T>A (p.Ile485Asn)

Gene: TSC2 (TSC complex subunit 2; plus strand). Cytogenetic location: 16p13.3.
Variant type: single nucleotide variant.
Coding change: c.1454T>A on transcript NM_000548.5 (MANE Select); coding-DNA position 1454, T replaced by A.
Protein change: p.Ile485Asn; replaces isoleucine 485 with asparagine.
Molecular consequence: missense variant.
Genome position (GRCh38, 1-based): chr16:2,064,282, T>A. VCF-style: chr16-2064282-T-A. GRCh37 (hg19) VCF-style: chr16-2114283-T-A.
Other names: c.1454T>A, p.Ile485Asn (NM_001077183.3, NM_001114382.3, NM_001363528.2 and 3 more transcripts); c.1343T>A, p.Ile448Asn (NM_001318827.2); c.1307T>A, p.Ile436Asn (NM_001318829.2); c.854T>A, p.Ile285Asn (NM_001318831.2); c.1487T>A, p.Ile496Asn (NM_001318832.2); c.1454T>A (NM_000548.3); short protein forms I285N, I436N, I448N, I485N, I496N.
Identifiers: ClinVar variation 1022250 (VCV001022250.9), dbSNP rs774265657, ClinGen allele CA030607.
Genomic context (GRCh38, chr16:2,064,282, plus strand): 5'-TGTGGCCCTCGTTGGGCTGGCGCTCATTGGCCTCCCTTGTGCCTGTGCAGGAGGAGCTGA[T>A]TAACTCAGTGGTCATCTCGCAGCTCTCCCACATCCCCGAGGATAAAGACCACCAGGTCCG-3'
Protein context (NP_000539.2, residues 475-495): INRQFYEEEL[Ile485Asn]NSVVISQLSH